The following is an entry in ClinVar:

NM_017950.4(CCDC40):c.239A>T (p.Glu80Val)

Gene: CCDC40 (coiled-coil domain 40 molecular ruler complex subunit; plus strand). Cytogenetic location: 17q25.3.
Variant type: single nucleotide variant.
Coding change: c.239A>T on transcript NM_017950.4 (MANE Select); coding-DNA position 239, A replaced by T.
Protein change: p.Glu80Val; replaces glutamic acid 80 with valine.
Molecular consequence: missense variant.
Genome position (GRCh38, 1-based): chr17:80,039,957, A>T. VCF-style: chr17-80039957-A-T. GRCh37 (hg19) VCF-style: chr17-78013756-A-T.
Other names: c.239A>T, p.Glu80Val (NM_001243342.2, NM_001330508.2); short protein forms E80V.
Identifiers: ClinVar variation 1790671 (VCV001790671.3), dbSNP rs190249222, ClinGen allele CA8813401.
Genomic context (GRCh38, chr17:80,039,957, plus strand): 5'-CGGAAGCTGCAATTGAAGAGGGGGAGGTGGAGACAGAAGGGGAAGCAGCAGTGGAAGGGG[A>T]AGAGGAGGCTGTGTCCTATGGAGATGCTGAAAGCGAAGAGGAATATTACTATACAGAAAC-3'
Protein context (NP_060420.2, residues 70-90): ETEGEAAVEG[Glu80Val]EEAVSYGDAE

ClinVar aggregate classification (germline): Uncertain significance (1 of 4 stars; one submission).

Conditions:
Primary ciliary dyskinesia. Also called: Ciliary dyskinesia. Identifiers: Orphanet 244, MedGen C0008780, MONDO:0016575, HP:0012265.

Allele frequency attached by ClinVar (database versions not stated): gnomAD 0.00004; gnomAD exomes 0.00004; 1000 Genomes Project 30x 0.00031; ExAC 0.00002.
gnomAD v4.1: 58 of 1,613,722 alleles (0.0036%); highest among the groups gnomAD compares: Non-Finnish European, 0.0048%; no homozygotes.

Submission:

Ambry Genetics
Classification: Uncertain significance for Primary ciliary dyskinesia. Last evaluated: 2025-08-06. Review status: criteria provided, single submitter. Criteria: Ambry Variant Classification Scheme 2023. Collection method: clinical testing. Allele origin: germline.
Comment: The p.E80V variant (also known as c.239A>T), located in coding exon 3 of the CCDC40 gene, results from an A to T substitution at nucleotide position 239. The glutamic acid at codon 80 is replaced by valine, an amino acid with dissimilar properties. This amino acid position is conserved. In addition, this alteration is predicted to be tolerated by in silico analysis. Since supporting evidence is limited at this time, the clinical significance of this alteration remains unclear.